The following is an entry in ClinVar:

ClinVar aggregate classification (germline): Uncertain significance (1 of 4 stars; one submission).

Conditions:
Dystonia 12 (DYT12). Also called: Rapid-Onset Dystonia-Parkinsonism (RDP); DYT-ATP1A3. Identifiers: Orphanet 71517, MedGen C1868681, MONDO:0007496, OMIM 128235.

Submission:

Labcorp Genetics (formerly Invitae), Labcorp
Classification: Uncertain significance for Dystonia 12. Last evaluated: 2024-04-09. Review status: criteria provided, single submitter. Criteria: Invitae Variant Classification Sherloc (09022015). Collection method: clinical testing. Allele origin: germline.
Comment: This sequence change replaces proline, which is neutral and non-polar, with arginine, which is basic and polar, at codon 647 of the ATP1A3 protein (p.Pro647Arg). This variant is not present in population databases (gnomAD no frequency). This variant has not been reported in the literature in individuals affected with ATP1A3-related conditions. Advanced modeling of protein sequence and biophysical properties (such as structural, functional, and spatial information, amino acid conservation, physicochemical variation, residue mobility, and thermodynamic stability) performed at Invitae indicates that this missense variant is expected to disrupt ATP1A3 protein function with a positive predictive value of 95%. In summary, the available evidence is currently insufficient to determine the role of this variant in disease. Therefore, it has been classified as a Variant of Uncertain Significance.

NM_152296.5(ATP1A3):c.1940C>G (p.Pro647Arg)

Gene: ATP1A3 (ATPase Na+/K+ transporting subunit alpha 3; minus strand). Cytogenetic location: 19q13.2.
Variant type: single nucleotide variant.
Coding change: c.1940C>G on transcript NM_152296.5 (MANE Select); coding-DNA position 1940, C replaced by G.
Protein change: p.Pro647Arg; replaces proline 647 with arginine.
Molecular consequence: missense variant.
Genome position (GRCh38, 1-based): chr19:41,977,939, G>C on the plus strand (C>G on the coding strand, the complement: ATP1A3 is on the minus strand). VCF-style: chr19-41977939-G-C. GRCh37 (hg19) VCF-style: chr19-42482091-G-C.
Other names: c.1973C>G, p.Pro658Arg (NM_001256213.2); c.1979C>G, p.Pro660Arg (NM_001256214.2); short protein forms P658R, P660R, P647R.
Identifiers: ClinVar variation 3636264 (VCV003636264.2).